The following is an entry in ClinVar:

ClinVar aggregate classification (germline): Likely benign. Review status: criteria provided, multiple submitters, no conflicts (2 of 4 stars). 2 submissions from 2 submitters: Likely benign (2). Last evaluated 2024-10-09.

Allele frequency attached by ClinVar (database versions not stated): ExAC 0.00022; gnomAD 0.00032; TOPMed 0.00036; ESP Exome Variant Server 0.00069; 1000 Genomes Project 0.00100; 1000 Genomes Project 30x 0.00109.

Submissions (2):

Blueprint Genetics
Classification: Likely benign. Last evaluated: 2024-10-09. Review status: criteria provided, single submitter. Criteria: ACMG Guidelines, 2015. Collection method: clinical testing. Allele origin: germline.

CeGaT Center for Human Genetics Tuebingen
Classification: Likely benign. Last evaluated: 2023-12-01. Review status: criteria provided, single submitter. Criteria: CeGaT Center For Human Genetics Tuebingen Variant Classification Criteria Version 2. Collection method: clinical testing. Allele origin: germline. Affected: yes. Observed: 1 variant allele.
Comment: POLR2A: BP4, BP7

NM_000937.5(POLR2A):c.1473G>A (p.Pro491=)

Gene: POLR2A (RNA polymerase II subunit A; plus strand). Cytogenetic location: 17p13.1.
Variant type: single nucleotide variant.
Coding change: c.1473G>A on transcript NM_000937.5 (MANE Select); coding-DNA position 1473, G replaced by A.
Protein change: p.Pro491=; no amino-acid change (proline 491 retained).
Molecular consequence: synonymous variant.
Genome position (GRCh38, 1-based): chr17:7,499,293, G>A. VCF-style: chr17-7499293-G-A. GRCh37 (hg19) VCF-style: chr17-7402612-G-A.
Identifiers: ClinVar variation 3025457 (VCV003025457.23), dbSNP rs141735058, ClinGen allele CA8349483.